The following is an entry in ClinVar:

NC_000004.11:g.(?_16017769)_(16017883_?)del

Gene: PROM1 (prominin 1; minus strand). Cytogenetic location: 4p15.32.
Variant type: Deletion.
Identifiers: ClinVar variation 1411441 (VCV001411441.6).

ClinVar aggregate classification (germline): Uncertain significance (1 of 4 stars; one submission).

Submission:

Labcorp Genetics (formerly Invitae), Labcorp
Classification: Uncertain significance. Last evaluated: 2021-03-12. Review status: criteria provided, single submitter. Criteria: Invitae Variant Classification Sherloc (09022015). Collection method: clinical testing. Allele origin: germline.
Comment: In summary, the available evidence is currently insufficient to determine the role of this variant in disease. Therefore, it has been classified as a Variant of Uncertain Significance. Experimental studies and prediction algorithms are not available or were not evaluated, and the functional significance of this variant is currently unknown. This variant has not been reported in the literature in individuals with PROM1-related conditions. This variant is a gross deletion of the genomic region encompassing exon(s) 9 of the PROM1 gene. This variant would be expected to be in-frame, preserving the integrity of the reading frame.